The following is an entry in ClinVar:

ClinVar aggregate classification (germline): Likely benign (1 of 4 stars; one submission).

Submission:

CeGaT Center for Human Genetics Tuebingen
Classification: Likely benign. Last evaluated: 2023-08-01. Review status: criteria provided, single submitter. Criteria: CeGaT Center For Human Genetics Tuebingen Variant Classification Criteria Version 2. Collection method: clinical testing. Allele origin: germline. Affected: yes. Observed: 1 variant allele.
Comment: PANX2: BP4, BP7

NM_052839.4(PANX2):c.1506G>C (p.Pro502=)

Gene: PANX2 (pannexin 2; plus strand). Cytogenetic location: 22q13.33.
Variant type: single nucleotide variant.
Coding change: c.1506G>C on transcript NM_052839.4 (MANE Select); coding-DNA position 1506, G replaced by C.
Protein change: p.Pro502=; no amino-acid change (proline 502 retained).
Molecular consequence: synonymous variant. On other transcripts: non-coding transcript variant (1).
Genome position (GRCh38, 1-based): chr22:50,178,218, G>C. VCF-style: chr22-50178218-G-C. GRCh37 (hg19) VCF-style: chr22-50616647-G-C.
Other names: c.1506G>C, p.Pro502= (NM_001160300.2).
Identifiers: ClinVar variation 2653365 (VCV002653365.24), dbSNP rs756342745, ClinGen allele CA515109084.